The following is an entry in ClinVar:

NM_003737.4(DCHS1):c.8106T>G (p.His2702Gln)

Gene: DCHS1 (dachsous cadherin-related 1; minus strand). Cytogenetic location: 11p15.4.
Variant type: single nucleotide variant.
Coding change: c.8106T>G on transcript NM_003737.4 (MANE Select); coding-DNA position 8106, T replaced by G.
Protein change: p.His2702Gln; replaces histidine 2702 with glutamine.
Molecular consequence: missense variant.
Genome position (GRCh38, 1-based): chr11:6,623,570, A>C on the plus strand (T>G on the coding strand, the complement: DCHS1 is on the minus strand). VCF-style: chr11-6623570-A-C. GRCh37 (hg19) VCF-style: chr11-6644801-A-C.
Other names: short protein forms H2702Q.
Identifiers: ClinVar variation 4989631 (VCV004989631.1).

ClinVar aggregate classification (germline): Uncertain significance (1 of 4 stars; one submission).

Conditions:
DCHS1-related disorder. Also called: DCHS1-related condition.

gnomAD v4.1: 42 of 1,613,538 alleles (0.0026%); highest among the groups gnomAD compares: Non-Finnish European, 0.0036%; no homozygotes.

Submission:

PreventionGenetics, part of Exact Sciences
Classification: Uncertain significance for DCHS1-related condition. Last evaluated: 2026-05-25. Review status: criteria provided, single submitter. Criteria: ACMG Guidelines, 2015. Collection method: clinical testing. Allele origin: germline.
Comment: The DCHS1 c.8106T>G variant is predicted to result in the amino acid substitution p.His2702Gln. To our knowledge, this variant has not been reported in the literature in individuals with DCHS1-related disease. This variant is reported in 0.0027% of alleles in individuals of European (Non-Finnish) descent in gnomAD. At this time, the clinical significance of this variant is uncertain due to the absence of conclusive functional and genetic evidence.